The following is an entry in ClinVar:

ClinVar aggregate classification (germline): Benign (1 of 4 stars; one submission).

Allele frequency attached by ClinVar (database versions not stated): 1000 Genomes Project 0.00200; 1000 Genomes Project 30x 0.00203; ESP Exome Variant Server 0.00211.
gnomAD v4.1: 1,048 of 1,535,754 alleles (0.068%); highest among the groups gnomAD compares: Middle Eastern, 0.81%; 4 homozygotes.

Submission:

CeGaT Center for Human Genetics Tuebingen
Classification: Benign. Last evaluated: 2023-09-01. Review status: criteria provided, single submitter. Criteria: CeGaT Center For Human Genetics Tuebingen Variant Classification Criteria Version 2. Collection method: clinical testing. Allele origin: germline. Affected: yes. Observed: 1 variant allele.
Comment: TRPM2: BP4, BS1, BS2

NM_003307.4(TRPM2):c.3653C>A (p.Ala1218Glu)

Gene: TRPM2 (transient receptor potential cation channel subfamily M member 2; plus strand). Cytogenetic location: 21q22.3.
Variant type: single nucleotide variant.
Coding change: c.3653C>A on transcript NM_003307.4 (MANE Select); coding-DNA position 3653, C replaced by A.
Protein change: p.Ala1218Glu; replaces alanine 1218 with glutamic acid.
Molecular consequence: missense variant. On other transcripts: 5 prime UTR variant (1), non-coding transcript variant (1).
Genome position (GRCh38, 1-based): chr21:44,425,685, C>A. VCF-style: chr21-44425685-C-A. GRCh37 (hg19) VCF-style: chr21-45845568-C-A.
Other names: c.3803C>A, p.Ala1268Glu (NM_001320350.2); c.3653C>A, p.Ala1218Glu (NM_001320351.2); c.-163C>A (NM_001320352.3); short protein forms A1218E, A1268E.
Identifiers: ClinVar variation 2652753 (VCV002652753.24), dbSNP rs200807570, ClinGen allele CA10055557.
Genomic context (GRCh38, chr21:44,425,685, plus strand): 5'-GAGCCCGGGCTCCGCCTTGCGTCACGTCTTCCTGACTGTCCCCAGCCTCCCAGAAGGCCG[C>A]GGAGGAGCCGGATGCTGAGCCGGGAGGCAGGAAGAAGACGGAGGAGCCGGGCGACAGCTA-3'
Protein context (NP_003298.2, residues 1208-1228): DVPTLASQKA[Ala1218Glu]EEPDAEPGGR